The following is an entry in ClinVar:

ClinVar aggregate classification (germline): Uncertain significance (1 of 4 stars; one submission).

Allele frequency attached by ClinVar (database versions not stated): gnomAD exomes below 0.00001; ExAC 0.00001; TOPMed 0.00001.
gnomAD v4.1: 2 of 1,614,160 alleles (0.00012%); highest among the groups gnomAD compares: African/African-American, 0.0027%; no homozygotes.

Submission:

Labcorp Genetics (formerly Invitae), Labcorp
Classification: Uncertain significance. Last evaluated: 2025-10-01. Review status: criteria provided, single submitter. Criteria: Invitae Variant Classification Sherloc (09022015). Collection method: clinical testing. Allele origin: germline.
Comment: This sequence change replaces isoleucine, which is neutral and non-polar, with valine, which is neutral and non-polar, at codon 1678 of the CACNA1D protein (p.Ile1678Val). This variant is present in population databases (rs760535668, gnomAD 0.007%). This variant has not been reported in the literature in individuals affected with CACNA1D-related conditions. ClinVar contains an entry for this variant (Variation ID: 1388472). An algorithm developed to predict the effect of missense changes on protein structure and function (PolyPhen-2) suggests that this variant is likely to be disruptive. In summary, the available evidence is currently insufficient to determine the role of this variant in disease. Therefore, it has been classified as a Variant of Uncertain Significance.

NM_001128840.3(CACNA1D):c.4972A>G (p.Ile1658Val)

Gene: CACNA1D (calcium voltage-gated channel subunit alpha1 D; plus strand). Cytogenetic location: 3p21.1.
Variant type: single nucleotide variant.
Coding change: c.4972A>G on transcript NM_001128840.3 (MANE Select); coding-DNA position 4972, A replaced by G.
Protein change: p.Ile1658Val; replaces isoleucine 1658 with valine.
Molecular consequence: missense variant.
Genome position (GRCh38, 1-based): chr3:53,800,297, A>G. VCF-style: chr3-53800297-A-G. GRCh37 (hg19) VCF-style: chr3-53834324-A-G.
Other names: c.5032A>G, p.Ile1678Val (NM_000720.4); c.4927A>G, p.Ile1643Val (NM_001128839.3); short protein forms I1658V, I1678V, I1643V.
Identifiers: ClinVar variation 1388472 (VCV001388472.6), dbSNP rs760535668, ClinGen allele CA2455046.